The following is an entry in ClinVar:

ClinVar aggregate classification (germline): Pathogenic (1 of 4 stars; one submission).

Conditions:
Familial cancer of breast. Also called: BREAST CANCER, FAMILIAL; Hereditary breast cancer; hereditary breast carcinoma. Identifiers: Orphanet 227535, MedGen C0346153, MONDO:0016419, OMIM 114480. Disease mechanism: loss of function.

Submission:

Myriad Genetics, Inc.
Classification: Pathogenic for Familial cancer of breast. Last evaluated: 2024-01-25. Review status: criteria provided, single submitter. Criteria: Myriad Autosomal Dominant, Autosomal Recessive and X-Linked Classification Criteria (2023). Collection method: clinical testing. Allele origin: unknown.
Comment: This variant is considered pathogenic. This variant creates a frameshift predicted to result in premature protein truncation.

NM_000051.4(ATM):c.5415_5416insTCCT (p.Ile1806fs)

Gene: ATM (ATM serine/threonine kinase; plus strand). Cytogenetic location: 11q22.3.
Variant type: Insertion.
Coding change: c.5415_5416insTCCT on transcript NM_000051.4 (MANE Select); coding-DNA positions 5415 to 5416, TCCT inserted.
Protein change: p.Ile1806fs; shifts the reading frame from isoleucine 1806.
Molecular consequence: frameshift variant.
Genome position: GRCh38 VCF-style: chr11-108302948-G-GTCCT. GRCh37 (hg19) VCF-style: chr11-108173675-G-GTCCT.
Other names: c.5415_5416insTCCT, p.Ile1806fs (NM_001351834.2); short protein forms I1806fs.
Identifiers: ClinVar variation 3148436 (VCV003148436.1), dbSNP rs2546980011, ClinGen allele CA2825001901.